The following is an entry in ClinVar:

NM_001111.5(ADAR):c.2693C>A (p.Ser898Tyr)

Genes: ADAR (adenosine deaminase RNA specific; minus strand), LOC126805874 (CDK7 strongly-dependent group 2 enhancer GRCh37_chr1:154561176-154562375; plus strand). Cytogenetic location: 1q21.3.
Variant type: single nucleotide variant.
Coding change: c.2693C>A on transcript NM_001111.5 (MANE Select); coding-DNA position 2693, C replaced by A.
Protein change: p.Ser898Tyr; replaces serine 898 with tyrosine.
Molecular consequence: missense variant.
Genome position (GRCh38, 1-based): chr1:154,589,438, G>T on the plus strand (C>A on the coding strand, the complement: ADAR is on the minus strand). VCF-style: chr1-154589438-G-T. GRCh37 (hg19) VCF-style: chr1-154561914-G-T.
Other names: c.1808C>A, p.Ser603Tyr (NM_001025107.3, NM_001193495.2, NM_001365046.1 and 2 more transcripts); c.2720C>A, p.Ser907Tyr (NM_001365045.1); c.1730C>A, p.Ser577Tyr (NM_001365049.1); c.2615C>A, p.Ser872Tyr (NM_015840.4); c.2558C>A, p.Ser853Tyr (NM_015841.4); short protein forms S898Y, S577Y, S853Y, S872Y, S907Y, S603Y.
Identifiers: ClinVar variation 1390623 (VCV001390623.6), dbSNP rs1424630296, ClinGen allele CA342636672.

ClinVar aggregate classification (germline): Uncertain significance (1 of 4 stars; one submission).

Conditions:
Symmetrical dyschromatosis of extremities (DSH). Also called: RETICULATE ACROPIGMENTATION OF DOHI; SYMMETRIC DYSCHROMATOSIS OF THE EXTREMITIES; DYSCHROMATOSIS SYMMETRICA HEREDITARIA 1; Dyschromatosis symmetrica hereditaria. Identifiers: Orphanet 41, MedGen C0406775, MONDO:0007483, OMIM 127400.
Aicardi-Goutieres syndrome 6 (AGS6). Identifiers: Orphanet 51, MedGen C3539013, MONDO:0014007, OMIM 615010.

Allele frequency attached by ClinVar (database versions not stated): gnomAD exomes below 0.00001 and 0.00001.
gnomAD v4.1: 5 of 1,613,958 alleles (0.00031%); highest among the groups gnomAD compares: Non-Finnish European, 0.00034%; no homozygotes.

Submission:

Labcorp Genetics (formerly Invitae), Labcorp
Classification: Uncertain significance for Aicardi-Goutieres syndrome 6; Symmetrical dyschromatosis of extremities. Last evaluated: 2025-05-15. Review status: criteria provided, single submitter. Criteria: Invitae Variant Classification Sherloc (09022015). Collection method: clinical testing. Allele origin: germline.
Comment: This sequence change replaces serine, which is neutral and polar, with tyrosine, which is neutral and polar, at codon 898 of the ADAR protein (p.Ser898Tyr). This variant is present in population databases (no rsID available, gnomAD 0.01%). This variant has not been reported in the literature in individuals affected with ADAR-related conditions. ClinVar contains an entry for this variant (Variation ID: 1390623). Invitae Evidence Modeling of protein sequence and biophysical properties (such as structural, functional, and spatial information, amino acid conservation, physicochemical variation, residue mobility, and thermodynamic stability) indicates that this missense variant is not expected to disrupt ADAR protein function with a negative predictive value of 80%. In summary, the available evidence is currently insufficient to determine the role of this variant in disease. Therefore, it has been classified as a Variant of Uncertain Significance.